The following is an entry in ClinVar:

ClinVar aggregate classification (germline): Uncertain significance. Review status: criteria provided, single submitter (1 of 4 stars). 2 submissions from 2 submitters: Uncertain significance (1). 1 of the submissions does not count toward it. Last evaluated 2023-05-08.

Conditions:
Cohen syndrome (COH1). Also called: Cutis verticis gyrata, retinitis pigmentosa, and sensorineural deafness; PEPPER SYNDROME. Identifiers: Orphanet 193, MedGen C0265223, MONDO:0008999, OMIM 216550.
VPS13B-related disorder. Also called: VPS13B-related condition.

Submissions (2):

Labcorp Genetics (formerly Invitae), Labcorp
Classification: Uncertain significance for Cohen syndrome. Last evaluated: 2023-05-08. Review status: criteria provided, single submitter. Criteria: Invitae Variant Classification Sherloc (09022015). Collection method: clinical testing. Allele origin: germline.
Comment: In summary, the available evidence is currently insufficient to determine the role of this variant in disease. Therefore, it has been classified as a Variant of Uncertain Significance. Experimental studies and prediction algorithms are not available or were not evaluated, and the functional significance of this variant is currently unknown. This variant has not been reported in the literature in individuals affected with VPS13B-related conditions. This variant is not present in population databases (gnomAD no frequency). This variant, c.11023_11025del, results in the deletion of 1 amino acid(s) of the VPS13B protein (p.Phe3675del), but otherwise preserves the integrity of the reading frame.

PreventionGenetics, part of Exact Sciences
Classification: Uncertain significance for VPS13B-related condition. Last evaluated: 2024-01-03. Review status: no assertion criteria provided. Collection method: clinical testing. Allele origin: germline. Not counted in ClinVar's aggregate classification.
Comment: The VPS13B c.10948_10950delTTC variant is predicted to result in an in-frame deletion (p.Phe3650del). To our knowledge, this variant has not been reported in the literature or in a large population database, indicating this variant is rare. At this time, the clinical significance of this variant is uncertain due to the absence of conclusive functional and genetic evidence.

NM_152564.5(VPS13B):c.10945TTC[1] (p.Phe3650del)

Gene: VPS13B (vacuolar protein sorting 13 homolog B; plus strand). Cytogenetic location: 8q22.2.
Variant type: Microsatellite.
Coding change: c.10945TTC[1] on transcript NM_152564.5 (MANE Select); one copy of the 3-base unit TTC starting at c.10945; the reference has two copies in a row; one copy, 3 bases deleted.
Protein change: p.Phe3650del; deletes phenylalanine 3650.
Molecular consequence: inframe deletion. On other transcripts: inframe indel (1).
Genome position (GRCh38, 1-based): chr8:99,859,384-99,859,386, TTC deleted; deleting any 3 consecutive bases within chr8:99,859,380-99,859,386 gives the same sequence; the position shown is the placement nearest the transcript's 3' end. VCF-style (leftmost placement, unchanged base first): chr8-99859379-ACTT-A. GRCh37 (hg19) VCF-style: chr8-100871607-ACTT-A.
Other names: c.10948_10950delTTC (NM_152564.4); c.11020TTC[1], p.Phe3675del (NM_017890.5); c.10945_10947TTC[1], p.Phe3650del (NM_152564.4); short protein forms F3650del, F3675del.
Identifiers: ClinVar variation 1963763 (VCV001963763.6), dbSNP rs2492278209, ClinGen allele CA2579216411.